The following is an entry in ClinVar:

ClinVar aggregate classification (germline): Uncertain significance (1 of 4 stars; one submission).

Conditions:
KIDINS220-related disorder. Also called: KIDINS220-related condition.

Submission:

PreventionGenetics, part of Exact Sciences
Classification: Uncertain significance for KIDINS220-related condition. Last evaluated: 2025-04-25. Review status: criteria provided, single submitter. Criteria: ACMG Guidelines, 2015. Collection method: clinical testing. Allele origin: germline.
Comment: The KIDINS220 c.5048dupT variant is predicted to result in a frameshift and premature protein termination (p.Thr1684Aspfs*6). This variant is located in the last exon of KIDINS220 and is expected to disrupt the last 88 amino acids. To our knowledge, this variant has not been reported in the literature neither has any variant downstream of this position have been reported as causative. This truncating variant is absent in a large population database (gnomAD), indicating this variant is rare. At this time, the clinical significance of this variant is uncertain due to the absence of conclusive functional and genetic evidence.

NM_020738.4(KIDINS220):c.5048dup (p.Thr1684fs)

Gene: KIDINS220 (kinase D interacting substrate 220; minus strand). Cytogenetic location: 2p25.1.
Variant type: Duplication.
Coding change: c.5048dup on transcript NM_020738.4 (MANE Select); coding-DNA position 5048, one base duplicated (T; older notation c.5048dupT).
Protein change: p.Thr1684fs; shifts the reading frame from threonine 1684.
Molecular consequence: frameshift variant. On other transcripts: intron variant (6).
Genome position (GRCh38, 1-based): chr2:8,730,988, A duplicated on the plus strand (T on the coding strand, the reverse complement: KIDINS220 is on the minus strand). VCF-style (leftmost placement, unchanged base first): chr2-8730987-C-CA. GRCh37 (hg19) VCF-style: chr2-8871117-C-CA.
Other names: c.5051dup, p.Thr1685fs (NM_001348729.2); c.4994dup, p.Thr1666fs (NM_001348731.2); c.4991dup, p.Thr1665fs (NM_001348732.2); c.4880dup, p.Thr1628fs (NM_001348734.2); c.4877dup, p.Thr1627fs (NM_001348735.2); c.4751dup, p.Thr1585fs (NM_001348736.2); c.3882+2456dup (NM_001348741.2, NM_001348742.2, NM_001348743.2); c.3996+2456dup (NM_001348738.2); and 1 more; short protein forms T1585fs, T1666fs, T1628fs, T1627fs, T1665fs, T1684fs, T1685fs.
Identifiers: ClinVar variation 5000487 (VCV005000487.1).